The following is an entry in ClinVar:

ClinVar aggregate classification (germline): Benign. Review status: criteria provided, multiple submitters, no conflicts (2 of 4 stars). 2 submissions from 2 submitters: Benign (2). Last evaluated 2026-03-02.

Conditions:
Generalized epilepsy with febrile seizures plus, type 7 (GEFSP7). Also called: GEFS+, TYPE 7. Identifiers: Orphanet 36387, MedGen C2751778, MONDO:0013470, OMIM 613863.
Neuropathy, hereditary sensory and autonomic, type 2A (HSAN2A). Also called: WNK1-Related HSAN2 (HSAN2A); HSAN IIA; MORVAN DISEASE; NEUROPATHY, CONGENITAL SENSORY; NEUROPATHY, HEREDITARY SENSORY RADICULAR, AUTOSOMAL RECESSIVE; NEUROPATHY, HEREDITARY SENSORY, TYPE IIA. Identifiers: Orphanet 970, MedGen C2752089, MONDO:0024309, OMIM 201300.

Submissions (2):

Women's Health and Genetics/Laboratory Corporation of America, LabCorp
Classification: Benign. Last evaluated: 2026-03-02. Review status: criteria provided, single submitter. Criteria: LabCorp Variant Classification Summary - May 2015. Collection method: clinical testing. Allele origin: germline.
Comment: Variant summary: SCN9A c.1603-14dupT alters a nucleotide located at a position not widely known to affect splicing. Consensus agreement among computation tools predict no significant impact on normal splicing. However, these predictions have yet to be confirmed by functional studies. The variant allele was found at a frequency of 0.00024 in 198634 control chromosomes, predominantly at a frequency of 0.002 within the East Asian subpopulation in the gnomAD database. The observed variant frequency within East Asian control individuals in the gnomAD database exceeds the estimated maximal expected allele frequency for disease-causing variants in SCN9A. To our knowledge, no occurrence of c.1603-14dupT in individuals affected with SCN9A-related conditions and no experimental evidence demonstrating its impact on protein function have been reported. ClinVar contains an entry for this variant (Variation ID: 331989). Based on the evidence outlined above, the variant was classified as benign.

Labcorp Genetics (formerly Invitae), Labcorp
Classification: Benign for Neuropathy, hereditary sensory and autonomic, type 2A; Generalized epilepsy with febrile seizures plus, type 7. Last evaluated: 2026-01-18. Review status: criteria provided, single submitter. Criteria: Invitae Variant Classification Sherloc (09022015). Collection method: clinical testing. Allele origin: germline.

NM_001365536.1(SCN9A):c.1603-14dup

Genes: SCN1A-AS1 (SCN1A and SCN9A antisense RNA 1; plus strand), SCN9A (sodium voltage-gated channel alpha subunit 9; minus strand). Cytogenetic location: 2q24.3.
Variant type: Duplication.
Coding change: c.1603-14dup on transcript NM_001365536.1 (MANE Select); 14 bases into the intron before coding-DNA position 1603, one base duplicated (T; older notation c.1603-14dupT).
Molecular consequence: intron variant.
Genome position (GRCh38, 1-based): chr2:166,284,838, A duplicated on the plus strand (T on the coding strand, the reverse complement: SCN9A is on the minus strand); the first of 8 consecutive A bases (chr2:166,284,838-166,284,845); duplicating any one gives the same sequence. VCF-style (leftmost placement, unchanged base first): chr2-166284837-T-TA. GRCh37 (hg19) VCF-style: chr2-167141347-T-TA.
Other names: c.1603-14dup (NM_002977.4).
Identifiers: ClinVar variation 331989 (VCV000331989.13), dbSNP rs200430382, ClinGen allele CA1944472.
Genomic context (GRCh38, chr2:166,284,837, plus strand): 5'-GCTGCTTCGCCTTGCAGAAAACAAGGAGCCACGAATGCTGAGTGGTGACTGCAGAAAAAT[T>TA]AAAAAAAACGTGGTTGCTGAAGCACCTACTGATAGAAGTACACTTCATATAAATACCACT-3'